The following is an entry in ClinVar:

NM_002109.6(HARS1):c.244C>T (p.Arg82Cys)

Gene: HARS1 (histidyl-tRNA synthetase 1; minus strand). Cytogenetic location: 5q31.3.
Variant type: single nucleotide variant.
Coding change: c.244C>T on transcript NM_002109.6 (MANE Select); coding-DNA position 244, C replaced by T.
Protein change: p.Arg82Cys; replaces arginine 82 with cysteine.
Molecular consequence: missense variant. On other transcripts: intron variant (3).
Genome position (GRCh38, 1-based): chr5:140,683,156, G>A on the plus strand (C>T on the coding strand, the complement: HARS1 is on the minus strand). VCF-style: chr5-140683156-G-A. GRCh37 (hg19) VCF-style: chr5-140062741-G-A.
Other names: c.244C>T, p.Arg82Cys (NM_001258041.3, NM_001289092.2); c.157C>T, p.Arg53Cys (NM_001289094.2); c.181-5141C>T (NM_001289093.2); c.181-3273C>T (NM_001258042.3, NM_001258040.3); short protein forms R82C, R53C.
Identifiers: ClinVar variation 568450 (VCV000568450.10), dbSNP rs769340873, ClinGen allele CA3444156.

ClinVar aggregate classification (germline): Uncertain significance. Review status: criteria provided, multiple submitters, no conflicts (2 of 4 stars). 3 submissions from 3 submitters: Uncertain significance (3). Last evaluated 2024-10-16.

Conditions:
Usher syndrome type 3B. Also called: USHER SYNDROME, TYPE IIIB. Identifiers: MedGen C3281066, MONDO:0013788, OMIM 614504.

Allele frequency attached by ClinVar (database versions not stated): ExAC 0.00001; gnomAD 0.00001; gnomAD exomes 0.00001; TOPMed 0.00003.
gnomAD v4.1: 17 of 1,613,470 alleles (0.0011%); highest among the groups gnomAD compares: Middle Eastern, 0.016%; no homozygotes.

Submissions (3):

ARUP Laboratories, Molecular Genetics and Genomics, ARUP Laboratories
Classification: Uncertain significance. Last evaluated: 2024-10-16. Review status: criteria provided, single submitter. Criteria: ARUP Molecular Germline Variant Investigation Process 2024. Collection method: clinical testing. Allele origin: germline.
Comment: The HARS1 c.244C>T; p.Arg82Cys variant (rs769340873), to our knowledge, is not reported in the medical literature but is reported in ClinVar (Variation ID: 568450). This variant is absent from the Genome Aggregation Database (v2.1.1), indicating it is not a common polymorphism. Computational analyses are uncertain whether this variant is neutral or deleterious (REVEL: 0.256). Due to limited information, the clinical significance of this variant is uncertain at this time.

Labcorp Genetics (formerly Invitae), Labcorp
Classification: Uncertain significance for Usher syndrome type 3B. Last evaluated: 2024-03-12. Review status: criteria provided, single submitter. Criteria: Invitae Variant Classification Sherloc (09022015). Collection method: clinical testing. Allele origin: germline.
Comment: This sequence change replaces arginine, which is basic and polar, with cysteine, which is neutral and slightly polar, at codon 82 of the HARS protein (p.Arg82Cys). This variant is not present in population databases (gnomAD no frequency). This variant has not been reported in the literature in individuals affected with HARS-related conditions. ClinVar contains an entry for this variant (Variation ID: 568450). Advanced modeling of protein sequence and biophysical properties (such as structural, functional, and spatial information, amino acid conservation, physicochemical variation, residue mobility, and thermodynamic stability) performed at Invitae indicates that this missense variant is not expected to disrupt HARS protein function with a negative predictive value of 80%. In summary, the available evidence is currently insufficient to determine the role of this variant in disease. Therefore, it has been classified as a Variant of Uncertain Significance.

Blueprint Genetics
Classification: Uncertain significance. Last evaluated: 2022-12-02. Review status: criteria provided, single submitter. Criteria: ACMG Guidelines, 2015. Collection method: clinical testing. Allele origin: germline.